The following is an entry in ClinVar:

ClinVar aggregate classification (germline): Uncertain significance (1 of 4 stars; one submission).

Allele frequency attached by ClinVar (database versions not stated): ExAC 0.00012; ESP Exome Variant Server 0.00015; gnomAD 0.00006; gnomAD exomes 0.00004; TOPMed 0.00006.
gnomAD v4.1: 74 of 1,614,026 alleles (0.0046%); highest among the groups gnomAD compares: East Asian, 0.02%; 1 homozygote.

Submission:

Labcorp Genetics (formerly Invitae), Labcorp
Classification: Uncertain significance. Last evaluated: 2025-09-03. Review status: criteria provided, single submitter. Criteria: Invitae Variant Classification Sherloc (09022015). Collection method: clinical testing. Allele origin: germline.
Comment: This sequence change replaces arginine, which is basic and polar, with cysteine, which is neutral and slightly polar, at codon 729 of the IGSF10 protein (p.Arg729Cys). This variant is present in population databases (rs372971163, gnomAD 0.02%). This variant has not been reported in the literature in individuals affected with IGSF10-related conditions. ClinVar contains an entry for this variant (Variation ID: 2727366). An algorithm developed to predict the effect of missense changes on protein structure and function (PolyPhen-2) suggests that this variant is likely to be disruptive. In summary, the available evidence is currently insufficient to determine the role of this variant in disease. Therefore, it has been classified as a Variant of Uncertain Significance.

NM_178822.5(IGSF10):c.2185C>T (p.Arg729Cys)

Gene: IGSF10 (immunoglobulin superfamily member 10; minus strand). Cytogenetic location: 3q25.1.
Variant type: single nucleotide variant.
Coding change: c.2185C>T on transcript NM_178822.5 (MANE Select); coding-DNA position 2185, C replaced by T.
Protein change: p.Arg729Cys; replaces arginine 729 with cysteine.
Molecular consequence: missense variant.
Genome position (GRCh38, 1-based): chr3:151,447,796, G>A on the plus strand (C>T on the coding strand, the complement: IGSF10 is on the minus strand). VCF-style: chr3-151447796-G-A. GRCh37 (hg19) VCF-style: chr3-151165584-G-A.
Other names: c.2185C>T, p.Arg729Cys (NM_001385060.1, NM_001385061.1, NM_001385062.1 and 1 more transcripts); short protein forms R729C.
Identifiers: ClinVar variation 2727366 (VCV002727366.3), dbSNP rs372971163, ClinGen allele CA2670394.